The following is an entry in ClinVar:

NM_000238.4(KCNH2):c.1425C>A (p.Tyr475Ter)

Gene: KCNH2 (potassium voltage-gated channel subfamily H member 2; minus strand). Cytogenetic location: 7q36.1.
Variant type: single nucleotide variant.
Coding change: c.1425C>A on transcript NM_000238.4 (MANE Select); coding-DNA position 1425, C replaced by A.
Protein change: p.Tyr475Ter; replaces tyrosine 475 with a stop codon.
Molecular consequence: nonsense.
Genome position (GRCh38, 1-based): chr7:150,952,557, G>T on the plus strand (C>A on the coding strand, the complement: KCNH2 is on the minus strand). VCF-style: chr7-150952557-G-T. GRCh37 (hg19) VCF-style: chr7-150649645-G-T.
Other names: c.405C>A, p.Tyr135Ter (NM_001204798.2, NM_172057.3); c.1137C>A, p.Tyr379Ter (NM_001406753.1, NM_001406756.1); c.1248C>A, p.Tyr416Ter (NM_001406755.1); c.1125C>A, p.Tyr375Ter (NM_001406757.1); c.1425C>A, p.Tyr475Ter (NM_172056.3); short protein forms Y135*, Y475*, Y416*, Y375*, Y379*.
Identifiers: ClinVar variation 1178326 (VCV001178326.4), dbSNP rs760584131, ClinGen allele CA369859783.
Genomic context (GRCh38, chr7:150,952,557, plus strand): 5'-CTTGAAGTAGTGGACGGCGATGCGGCCGGGGTGGCTGACCACCTCCTCGTTGGCATTGAC[G>T]TAGGTGGTGCGGAAGTTGATGAGGATGTCCACAATGAACATGATGTCCACGATGAGGTCC-3'

ClinVar aggregate classification (germline): Pathogenic (1 of 4 stars; one submission).

Conditions:
Long QT syndrome 2 (LQT2). Identifiers: Orphanet 101016, Orphanet 768, MedGen C3150943, MONDO:0013367, OMIM 613688.

Submission:

Rajaie Cardiovascular, Medical and Research Center, Iran University of Medical Sciences
Classification: Pathogenic for Long QT syndrome 2. Review status: criteria provided, single submitter. Criteria: ACMG Guidelines, 2015. Collection method: research. Allele origin: somatic. Inheritance: Autosomal dominant inheritance. Affected: yes. Observed: 1 variant allele, 1 heterozygote.
Comment: The KCNH2 gene encodes the pore-forming subunit of a rapidly activating-delayed rectifier potassium channel that plays an essential role in the final repolarization of the ventricular action potential. Mutations in this gene cause Long QT syndrome 2 (OMIM: 613688) with autosomal dominant inheritance. Based on ACMG classification, c.C405A variant is Pathogenic.